The following is an entry in ClinVar:

NM_001282531.3(ADNP):c.2143G>T (p.Val715Leu)

Gene: ADNP (activity dependent neuroprotector homeobox; minus strand). Cytogenetic location: 20q13.13.
Variant type: single nucleotide variant.
Coding change: c.2143G>T on transcript NM_001282531.3 (MANE Select); coding-DNA position 2143, G replaced by T.
Protein change: p.Val715Leu; replaces valine 715 with leucine.
Molecular consequence: missense variant.
Genome position (GRCh38, 1-based): chr20:50,892,571, C>A on the plus strand (G>T on the coding strand, the complement: ADNP is on the minus strand). VCF-style: chr20-50892571-C-A. GRCh37 (hg19) VCF-style: chr20-49509108-C-A.
Other names: c.2143G>T, p.Val715Leu (NM_001282532.2, NM_001347511.2, NM_015339.5 and 1 more transcripts); short protein forms V715L.
Identifiers: ClinVar variation 2785920 (VCV002785920.3), dbSNP rs771353879, ClinGen allele CA315257118.

ClinVar aggregate classification (germline): Uncertain significance (1 of 4 stars; one submission).

gnomAD v4.1: 5 of 1,614,070 alleles (0.00031%); highest among the groups gnomAD compares: African/African-American, 0.0027%; no homozygotes.

Submission:

Labcorp Genetics (formerly Invitae), Labcorp
Classification: Uncertain significance. Last evaluated: 2025-07-15. Review status: criteria provided, single submitter. Criteria: Invitae Variant Classification Sherloc (09022015). Collection method: clinical testing. Allele origin: germline.
Comment: This sequence change replaces valine, which is neutral and non-polar, with leucine, which is neutral and non-polar, at codon 715 of the ADNP protein (p.Val715Leu). This variant is not present in population databases (gnomAD no frequency). This variant has not been reported in the literature in individuals affected with ADNP-related conditions. ClinVar contains an entry for this variant (Variation ID: 2785920). An algorithm developed to predict the effect of missense changes on protein structure and function (PolyPhen-2) suggests that this variant is likely to be tolerated. In summary, the available evidence is currently insufficient to determine the role of this variant in disease. Therefore, it has been classified as a Variant of Uncertain Significance.